The following is an entry in ClinVar:

NM_144666.3(DNHD1):c.2908del (p.Thr970fs)

Gene: DNHD1 (dynein heavy chain domain 1; plus strand). Cytogenetic location: 11p15.4.
Variant type: Deletion.
Coding change: c.2908del on transcript NM_144666.3 (MANE Select); coding-DNA position 2908, one base deleted (A; older notation c.2908delA).
Protein change: p.Thr970fs; shifts the reading frame from threonine 970.
Molecular consequence: frameshift variant.
Genome position (GRCh38, 1-based): chr11:6,534,083, A deleted. VCF-style (leftmost placement, unchanged base first): chr11-6534082-TA-T. GRCh37 (hg19) VCF-style: chr11-6555312-TA-T.
Other names: c.2908delA (NM_144666.3); short protein forms T970fs.
Identifiers: ClinVar variation 4849336 (VCV004849336.1).

ClinVar aggregate classification (germline): Likely pathogenic (1 of 4 stars; one submission).

Conditions:
Spermatogenic failure 65 (SPGF65). Identifiers: MedGen C5562067, MONDO:0030531, OMIM 619712.

Submission:

First Genomix Gene Laboratory, Genetic Diagnostics Department
Classification: Likely pathogenic for Spermatogenic failure 65. Last evaluated: 2025-07-08. Review status: criteria provided, single submitter. Criteria: ACMG Guidelines, 2015. Collection method: clinical testing. Allele origin: germline. Inheritance: Autosomal recessive inheritance. Affected: no. Observed: 1 variant allele.